The following is an entry in ClinVar:

NM_001367479.1(DNAH14):c.7656A>C (p.Leu2552Phe)

Gene: DNAH14 (dynein axonemal heavy chain 14; plus strand). Cytogenetic location: 1q42.12.
Variant type: single nucleotide variant.
Coding change: c.7656A>C on transcript NM_001367479.1 (MANE Select); coding-DNA position 7656, A replaced by C.
Protein change: p.Leu2552Phe; replaces leucine 2552 with phenylalanine.
Molecular consequence: missense variant.
Genome position (GRCh38, 1-based): chr1:225,270,851, A>C. VCF-style: chr1-225270851-A-C. GRCh37 (hg19) VCF-style: chr1-225458553-A-C.
Other names: NM_001373.1:c.7638A>C; short protein forms L2552F.
Identifiers: ClinVar variation 5008637 (VCV005008637.1).

ClinVar aggregate classification (germline): Uncertain significance (1 of 4 stars; one submission).

Submission:

GeneDx
Classification: Uncertain significance. Last evaluated: 2026-03-05. Review status: criteria provided, single submitter. Criteria: GeneDx Variant Classification Process June 2021. Collection method: clinical testing. Allele origin: germline.
Comment: Not observed at significant frequency in large population cohorts (gnomAD); In silico analysis supports that this missense variant has a deleterious effect on protein structure/function; Has not been previously published as pathogenic or benign to our knowledge